The following is an entry in ClinVar:

NM_000038.6(APC):c.3895G>C (p.Ala1299Pro)

Gene: APC (APC regulator of Wnt signaling pathway; plus strand). Cytogenetic location: 5q22.2.
Variant type: single nucleotide variant.
Coding change: c.3895G>C on transcript NM_000038.6 (MANE Select); coding-DNA position 3895, G replaced by C.
Protein change: p.Ala1299Pro; replaces alanine 1299 with proline.
Molecular consequence: missense variant.
Genome position (GRCh38, 1-based): chr5:112,839,489, G>C. VCF-style: chr5-112839489-G-C. GRCh37 (hg19) VCF-style: chr5-112175186-G-C.
Other names: c.3895G>C, p.Ala1299Pro (NM_001127510.3, NM_001354895.2); c.3841G>C, p.Ala1281Pro (NM_001127511.3); c.3949G>C, p.Ala1317Pro (NM_001354896.2); c.3925G>C, p.Ala1309Pro (NM_001354897.2); c.3820G>C, p.Ala1274Pro (NM_001354898.2); c.3811G>C, p.Ala1271Pro (NM_001354899.2); c.3772G>C, p.Ala1258Pro (NM_001354900.2); c.3718G>C, p.Ala1240Pro (NM_001354901.2); and 5 more; short protein forms A1016P, A1198P, A1258P, A1299P, A1139P, A1274P, A1173P, A1208P.
Identifiers: ClinVar variation 843549 (VCV000843549.11), dbSNP rs1765547450, ClinGen allele CA16029881.
Genomic context (GRCh38, chr5:112,839,489, plus strand): 5'-TCTTTGTCATCAGCTGAAGATGAAATAGGATGTAATCAGACGACACAGGAAGCAGATTCT[G>C]CTAATACCCTGCAAATAGCAGAAATAAAAGAAAAGATTGGAACTAGGTCAGCTGAAGATC-3'
Protein context (NP_000029.2, residues 1289-1309): CNQTTQEADS[Ala1299Pro]NTLQIAEIKE

ClinVar aggregate classification (germline): Uncertain significance (1 of 4 stars; one submission).

Conditions:
Familial adenomatous polyposis 1 (FAP1). Also called: FAMILIAL ADENOMATOUS POLYPOSIS 1, ATTENUATED; POLYPOSIS, ADENOMATOUS INTESTINAL. Identifiers: MedGen C2713442, MONDO:0021056, OMIM 175100. Disease mechanism: loss of function.

Submission:

Labcorp Genetics (formerly Invitae), Labcorp
Classification: Uncertain significance for Familial adenomatous polyposis 1. Last evaluated: 2019-04-17. Review status: criteria provided, single submitter. Criteria: Invitae Variant Classification Sherloc (09022015). Collection method: clinical testing. Allele origin: germline.
Comment: In summary, the available evidence is currently insufficient to determine the role of this variant in disease. Therefore, it has been classified as a Variant of Uncertain Significance. This sequence change replaces alanine with proline at codon 1299 of the APC protein (p.Ala1299Pro). The alanine residue is moderately conserved and there is a small physicochemical difference between alanine and proline. This variant is not present in population databases (ExAC no frequency). This variant has not been reported in the literature in individuals with APC-related conditions. Algorithms developed to predict the effect of missense changes on protein structure and function (SIFT, PolyPhen-2, Align-GVGD) all suggest that this variant is likely to be tolerated, but these predictions have not been confirmed by published functional studies and their clinical significance is uncertain.